The following is an entry in ClinVar:

ClinVar aggregate classification (germline): Benign/Likely benign. Review status: criteria provided, multiple submitters, no conflicts (2 of 4 stars). 4 submissions from 4 submitters: Benign (1); Likely benign (2). 1 of the submissions does not count toward it. Last evaluated 2025-05-02.

Conditions:
TSC2-related disorder. Also called: TSC2-Related Disorders; TSC2-related condition.
Tuberous sclerosis 2 (TSC2). Identifiers: Orphanet 805, MedGen C1860707, MONDO:0013199, OMIM 613254.
Hereditary cancer-predisposing syndrome. Also called: Neoplastic Syndromes, Hereditary; Hereditary neoplastic syndrome; Tumor predisposition; Hereditary Cancer Syndrome. Identifiers: Orphanet 140162, MedGen C0027672, MeSH D009386, MONDO:0015356.

Allele frequency attached by ClinVar (database versions not stated): gnomAD exomes below 0.00001; TOPMed below 0.00001; gnomAD 0.00001.
gnomAD v4.1: 3 of 1,589,408 alleles (0.00019%); highest among the groups gnomAD compares: African/African-American, 0.0013%; no homozygotes.

Submissions (4):

Myriad Genetics, Inc.
Classification: Benign for Tuberous sclerosis 2. Last evaluated: 2025-05-02. Review status: criteria provided, single submitter. Criteria: Myriad Autosomal Dominant, Autosomal Recessive and X-Linked Classification Criteria (2023). Collection method: clinical testing. Allele origin: unknown.
Comment: This variant is considered benign. This variant is a silent/synonymous amino acid change and it is not expected to impact splicing.

Labcorp Genetics (formerly Invitae), Labcorp
Classification: Likely benign for Tuberous sclerosis 2. Last evaluated: 2025-03-19. Review status: criteria provided, single submitter. Criteria: Invitae Variant Classification Sherloc (09022015). Collection method: clinical testing. Allele origin: germline.

Ambry Genetics
Classification: Likely benign for Hereditary cancer-predisposing syndrome. Last evaluated: 2020-09-16. Review status: criteria provided, single submitter. Criteria: Ambry Variant Classification Scheme 2023. Collection method: clinical testing. Allele origin: germline.

PreventionGenetics, part of Exact Sciences
Classification: Likely benign for TSC2-related condition. Last evaluated: 2019-08-01. Review status: no assertion criteria provided. Collection method: clinical testing. Allele origin: germline. Not counted in ClinVar's aggregate classification.
Comment: This variant is classified as likely benign based on ACMG/AMP sequence variant interpretation guidelines (Richards et al. 2015 PMID: 25741868, with internal and published modifications).

NM_000548.5(TSC2):c.252G>A (p.Ala84=)

Gene: TSC2 (TSC complex subunit 2; plus strand). Cytogenetic location: 16p13.3.
Variant type: single nucleotide variant.
Coding change: c.252G>A on transcript NM_000548.5 (MANE Select); coding-DNA position 252, G replaced by A.
Protein change: p.Ala84=; no amino-acid change (alanine 84 retained).
Molecular consequence: synonymous variant. On other transcripts: intron variant (2).
Genome position (GRCh38, 1-based): chr16:2,053,368, G>A. VCF-style: chr16-2053368-G-A. GRCh37 (hg19) VCF-style: chr16-2103369-G-A.
Other names: c.252G>A (NM_000548.4); c.252G>A, p.Ala84= (NM_001077183.3, NM_001114382.3, NM_001363528.2 and 3 more transcripts); c.105G>A, p.Ala35= (NM_001318829.2); c.285G>A, p.Ala95= (NM_001318832.2); c.226-928G>A (NM_001318827.2); c.-1-2828G>A (NM_001318831.2).
Identifiers: ClinVar variation 766727 (VCV000766727.16), dbSNP rs1316543957, ClinGen allele CA492955125.